The following is an entry in ClinVar:

ClinVar aggregate classification (germline): Benign/Likely benign. Review status: criteria provided, multiple submitters, no conflicts (2 of 4 stars). 2 submissions from 2 submitters: Benign (1); Likely benign (1). Last evaluated 2025-03-18.

Conditions:
Familial adenomatous polyposis 1 (FAP1). Also called: POLYPOSIS, ADENOMATOUS INTESTINAL; FAMILIAL ADENOMATOUS POLYPOSIS 1, ATTENUATED. Identifiers: MedGen C2713442, MONDO:0021056, OMIM 175100. Disease mechanism: loss of function.

Allele frequency attached by ClinVar (database versions not stated): gnomAD exomes below 0.00001; ExAC 0.00001.
gnomAD v4.1: 1 of 1,610,764 alleles (0.000062%); highest among the groups gnomAD compares: Non-Finnish European, 0.000085%; no homozygotes.

Submissions (2):

Labcorp Genetics (formerly Invitae), Labcorp
Classification: Likely benign for Familial adenomatous polyposis 1. Last evaluated: 2025-03-18. Review status: criteria provided, single submitter. Criteria: Invitae Variant Classification Sherloc (09022015). Collection method: clinical testing. Allele origin: germline.

Myriad Genetics, Inc.
Classification: Benign for Familial adenomatous polyposis 1. Last evaluated: 2024-04-02. Review status: criteria provided, single submitter. Criteria: Myriad Autosomal Dominant, Autosomal Recessive and X-Linked Classification Criteria (2023). Collection method: clinical testing. Allele origin: unknown.
Comment: This variant is considered benign. This variant is a silent/synonymous amino acid change and it is not expected to impact splicing.

NM_000038.6(APC):c.5436G>A (p.Lys1812=)

Gene: APC (APC regulator of Wnt signaling pathway; plus strand). Cytogenetic location: 5q22.2.
Variant type: single nucleotide variant.
Coding change: c.5436G>A on transcript NM_000038.6 (MANE Select); coding-DNA position 5436, G replaced by A.
Protein change: p.Lys1812=; no amino-acid change (lysine 1812 retained).
Molecular consequence: synonymous variant.
Genome position (GRCh38, 1-based): chr5:112,841,030, G>A. VCF-style: chr5-112841030-G-A. GRCh37 (hg19) VCF-style: chr5-112176727-G-A.
Other names: c.5436G>A, p.Lys1812= (NM_001127510.3, NM_001354895.2); c.5382G>A, p.Lys1794= (NM_001127511.3); c.5490G>A, p.Lys1830= (NM_001354896.2); c.5466G>A, p.Lys1822= (NM_001354897.2); c.5361G>A, p.Lys1787= (NM_001354898.2); c.5352G>A, p.Lys1784= (NM_001354899.2); c.5313G>A, p.Lys1771= (NM_001354900.2); c.5259G>A, p.Lys1753= (NM_001354901.2); and 5 more.
Identifiers: ClinVar variation 1655227 (VCV001655227.9), dbSNP rs746952584, ClinGen allele CA042009.